The following is an entry in ClinVar:

ClinVar aggregate classification (germline): Likely benign (0 of 4 stars; one submission).

Conditions:
SALL4-Related Disorders. Also called: SALL4-related disorder; SALL4-related condition. Identifiers: MedGen CN381056.

Allele frequency attached by ClinVar (database versions not stated): ExAC 0.00002; TOPMed 0.00002; gnomAD 0.00003.
gnomAD v4.1: 43 of 1,614,038 alleles (0.0027%); highest among the groups gnomAD compares: South Asian, 0.011%; no homozygotes.

Submission:

PreventionGenetics, part of Exact Sciences
Classification: Likely benign for SALL4-related condition. Last evaluated: 2019-10-28. Review status: no assertion criteria provided. Collection method: clinical testing. Allele origin: germline.
Comment: This variant is classified as likely benign based on ACMG/AMP sequence variant interpretation guidelines (Richards et al. 2015 PMID: 25741868, with internal and published modifications).

NM_020436.5(SALL4):c.2916C>T (p.Tyr972=)

Gene: SALL4 (spalt like transcription factor 4; minus strand). Cytogenetic location: 20q13.2.
Variant type: single nucleotide variant.
Coding change: c.2916C>T on transcript NM_020436.5 (MANE Select); coding-DNA position 2916, C replaced by T.
Protein change: p.Tyr972=; no amino-acid change (tyrosine 972 retained).
Molecular consequence: synonymous variant.
Genome position (GRCh38, 1-based): chr20:51,784,511, G>A on the plus strand (C>T on the coding strand, the complement: SALL4 is on the minus strand). VCF-style: chr20-51784511-G-A. GRCh37 (hg19) VCF-style: chr20-50401050-G-A.
Other names: c.1605C>T, p.Tyr535= (NM_001318031.2).
Identifiers: ClinVar variation 3041050 (VCV003041050.2), dbSNP rs770727787, ClinGen allele CA9911971.